The following is an entry in ClinVar:

ClinVar aggregate classification (germline): Uncertain significance (1 of 4 stars; one submission).

Conditions:
Neuromuscular disease caused by qualitative or quantitative defects of dysferlin. Also called: Dysferlinopathy; Qualitative or quantitative defects of dysferlin. Identifiers: Orphanet 207073, MedGen C2931687, MONDO:0016145.

Submission:

Labcorp Genetics (formerly Invitae), Labcorp
Classification: Uncertain significance for Neuromuscular disease caused by qualitative or quantitative defects of dysferlin. Last evaluated: 2021-04-19. Review status: criteria provided, single submitter. Criteria: Invitae Variant Classification Sherloc (09022015). Collection method: clinical testing. Allele origin: germline.
Comment: In summary, the available evidence is currently insufficient to determine the role of this variant in disease. Therefore, it has been classified as a Variant of Uncertain Significance. Algorithms developed to predict the effect of missense changes on protein structure and function are either unavailable or do not agree on the potential impact of this missense change (SIFT: "Deleterious"; PolyPhen-2: "Benign"; Align-GVGD: "Class C0"). This variant has not been reported in the literature in individuals with DYSF-related conditions. This variant is not present in population databases (ExAC no frequency). This sequence change replaces cysteine with serine at codon 1522 of the DYSF protein (p.Cys1522Ser). The cysteine residue is moderately conserved and there is a moderate physicochemical difference between cysteine and serine.

NM_001130987.2(DYSF):c.4682G>C (p.Cys1561Ser)

Gene: DYSF (dysferlin; plus strand). Cytogenetic location: 2p13.2.
Variant type: single nucleotide variant.
Coding change: c.4682G>C on transcript NM_001130987.2 (MANE Select); coding-DNA position 4682, G replaced by C.
Protein change: p.Cys1561Ser; replaces cysteine 1561 with serine.
Molecular consequence: missense variant.
Genome position (GRCh38, 1-based): chr2:71,656,217, G>C. VCF-style: chr2-71656217-G-C. GRCh37 (hg19) VCF-style: chr2-71883347-G-C.
Other names: c.4568G>C, p.Cys1523Ser (NM_001130455.2); c.4523G>C, p.Cys1508Ser (NM_001130976.2); c.4586G>C, p.Cys1529Ser (NM_001130977.2); c.4628G>C, p.Cys1543Ser (NM_001130978.2); c.4658G>C, p.Cys1553Ser (NM_001130979.2); c.4616G>C, p.Cys1539Ser (NM_001130980.2); c.4679G>C, p.Cys1560Ser (NM_001130981.2); c.4661G>C, p.Cys1554Ser (NM_001130982.2); and 5 more; short protein forms C1530S, C1554S, C1560S, C1539S, C1540S, C1544S, C1553S, C1561S.
Identifiers: ClinVar variation 1473956 (VCV001473956.8), dbSNP rs2152937732, ClinGen allele CA347219417.